The following is an entry in ClinVar:

ClinVar aggregate classification (germline): Uncertain significance. Review status: criteria provided, multiple submitters, no conflicts (2 of 4 stars). 2 submissions from 2 submitters: Uncertain significance (2). Last evaluated 2025-02-26.

gnomAD v4.1: 281 of 1,612,296 alleles (0.017%); highest among the groups gnomAD compares: Non-Finnish European, 0.024%; 1 homozygote.

Submissions (2):

Labcorp Genetics (formerly Invitae), Labcorp
Classification: Uncertain significance. Last evaluated: 2025-02-26. Review status: criteria provided, single submitter. Criteria: Invitae Variant Classification Sherloc (09022015). Collection method: clinical testing. Allele origin: germline.
Comment: This sequence change replaces alanine, which is neutral and non-polar, with valine, which is neutral and non-polar, at codon 236 of the ZHX3 protein (p.Ala236Val). This variant is present in population databases (rs764962010, gnomAD 0.006%). This variant has not been reported in the literature in individuals affected with ZHX3-related conditions. An algorithm developed to predict the effect of missense changes on protein structure and function outputs the following: PolyPhen-2: "Benign". The valine amino acid residue is found in multiple mammalian species, which suggests that this missense change does not adversely affect protein function. In summary, the available evidence is currently insufficient to determine the role of this variant in disease. Therefore, it has been classified as a Variant of Uncertain Significance.

Ambry Genetics
Classification: Uncertain significance. Last evaluated: 2025-01-07. Review status: criteria provided, single submitter. Criteria: Ambry Variant Classification Scheme 2023. Collection method: clinical testing. Allele origin: germline.

NM_001384317.1(ZHX3):c.707C>T (p.Ala236Val)

Gene: ZHX3 (zinc fingers and homeoboxes 3; minus strand). Cytogenetic location: 20q12.
Variant type: single nucleotide variant.
Coding change: c.707C>T on transcript NM_001384317.1 (MANE Select); coding-DNA position 707, C replaced by T.
Protein change: p.Ala236Val; replaces alanine 236 with valine.
Molecular consequence: missense variant.
Genome position (GRCh38, 1-based): chr20:41,204,210, G>A on the plus strand (C>T on the coding strand, the complement: ZHX3 is on the minus strand). VCF-style: chr20-41204210-G-A. GRCh37 (hg19) VCF-style: chr20-39832850-G-A.
Other names: c.707C>T, p.Ala236Val (NM_001384315.1, NM_001384316.1, NM_001384318.1 and 8 more transcripts); short protein forms A236V.
Identifiers: ClinVar variation 3819419 (VCV003819419.2).